The following is an entry in ClinVar:

NM_000179.3(MSH6):c.439C>T (p.Leu147Phe)

Gene: MSH6 (mutS homolog 6; plus strand). Cytogenetic location: 2p16.3.
Variant type: single nucleotide variant.
Coding change: c.439C>T on transcript NM_000179.3 (MANE Select); coding-DNA position 439, C replaced by T.
Protein change: p.Leu147Phe; replaces leucine 147 with phenylalanine.
Molecular consequence: missense variant. On other transcripts: 5 prime UTR variant (2), intron variant (1).
Genome position (GRCh38, 1-based): chr2:47,791,105, C>T. VCF-style: chr2-47791105-C-T. GRCh37 (hg19) VCF-style: chr2-48018244-C-T.
Other names: c.-298C>T (NM_001281493.2); c.-464C>T (NM_001281494.2); c.238-7506C>T (NM_001281492.2); short protein forms L147F.
Identifiers: ClinVar variation 1691510 (VCV001691510.6), dbSNP rs2104111618, ClinGen allele CA346737175.

ClinVar aggregate classification (germline): Uncertain significance. Review status: criteria provided, multiple submitters, no conflicts (2 of 4 stars). 2 submissions from 2 submitters: Uncertain significance (2). Last evaluated 2023-09-11.

Conditions:
Hereditary cancer-predisposing syndrome. Also called: Hereditary Cancer Syndrome; Hereditary neoplastic syndrome; Neoplastic Syndromes, Hereditary; Tumor predisposition. Identifiers: Orphanet 140162, MedGen C0027672, MeSH D009386, MONDO:0015356.
Lynch syndrome 5 (LYNCH5). Also called: Colorectal cancer, hereditary nonpolyposis, type 5; Hereditary non-polyposis colorectal cancer, type 5. Identifiers: Orphanet 144, MedGen C1833477, MONDO:0013710, OMIM 614350. Disease mechanism: loss of function.

Submissions (2):

Ambry Genetics
Classification: Uncertain significance for Hereditary cancer-predisposing syndrome. Last evaluated: 2023-09-11. Review status: criteria provided, single submitter. Criteria: Ambry Variant Classification Scheme 2023. Collection method: clinical testing. Allele origin: germline.
Comment: The p.L147F variant (also known as c.439C>T), located in coding exon 2 of the MSH6 gene, results from a C to T substitution at nucleotide position 439. The leucine at codon 147 is replaced by phenylalanine, an amino acid with highly similar properties. This amino acid position is conserved. In addition, this alteration is predicted to be tolerated by in silico analysis. Since supporting evidence is limited at this time, the clinical significance of this alteration remains unclear.

St. Jude Molecular Pathology, St. Jude Children's Research Hospital
Classification: Uncertain significance for Lynch syndrome 5. Last evaluated: 2022-03-21. Review status: criteria provided, single submitter. Criteria: St. Jude Assertion Criteria 2020. Collection method: clinical testing. Allele origin: germline.
Comment: The MSH6 c.439C>T (p.Leu147Phe) missense change is absent in gnomAD v2.1.1 (PM2_supporting). Seven of seven in silico tools predict a benign effect of this variant on protein function (BP4), but to our knowledge these predictions have not been confirmed by functional assays. To our knowledge, this variant has not been reported in individuals with Lynch syndrome or CMMRD. In summary, this variant meets criteria to be classified as of uncertain significance based on the ACMG/AMP criteria: PM2_supporting, BP4.